The following is an entry in ClinVar:

NM_000283.4(PDE6B):c.842C>G (p.Thr281Ser)

Genes: PDE6B (phosphodiesterase 6B; plus strand), PDE6B-AS1 (PDE6B antisense RNA 1; minus strand). Cytogenetic location: 4p16.3.
Variant type: single nucleotide variant.
Coding change: c.842C>G on transcript NM_000283.4 (MANE Select); coding-DNA position 842, C replaced by G.
Protein change: p.Thr281Ser; replaces threonine 281 with serine.
Molecular consequence: missense variant. On other transcripts: 5 prime UTR variant (1).
Genome position (GRCh38, 1-based): chr4:653,982, C>G. VCF-style: chr4-653982-C-G. GRCh37 (hg19) VCF-style: chr4-647771-C-G.
Other names: c.842C>G, p.Thr281Ser (NM_001145291.2); c.5C>G, p.Thr2Ser (NM_001145292.2, NM_001350154.3, NM_001379246.1 and 1 more transcripts); c.-199C>G (NM_001350155.3); short protein forms T2S, T281S.
Identifiers: ClinVar variation 2024270 (VCV002024270.5), dbSNP rs370941664, ClinGen allele CA2794142.
Genomic context (GRCh38, chr4:653,982, plus strand): 5'-TCTACACGGTGCGGGCCTACCTCAACTGCGAGCGGTACTCCGTGGGCCTCCTGGACATGA[C>G]CAAGGAGAAGGTGAGGCTTCCGTGGCTCAGGGACCCCCTGCCTGGCCCGACCCAGGTCCC-3'
Protein context (NP_000274.3, residues 271-291): ERYSVGLLDM[Thr281Ser]KEKEFFDVWS

ClinVar aggregate classification (germline): Uncertain significance. Review status: criteria provided, multiple submitters, no conflicts (2 of 4 stars). 2 submissions from 2 submitters: Uncertain significance (2). Last evaluated 2025-03-17.

Allele frequency attached by ClinVar (database versions not stated): TOPMed 0.00001; ExAC 0.00002; ESP Exome Variant Server 0.00008.
gnomAD v4.1: 13 of 1,613,768 alleles (0.00081%); highest among the groups gnomAD compares: Non-Finnish European, 0.001%; no homozygotes.

Submissions (2):

Labcorp Genetics (formerly Invitae), Labcorp
Classification: Uncertain significance. Last evaluated: 2025-03-17. Review status: criteria provided, single submitter. Criteria: Invitae Variant Classification Sherloc (09022015). Collection method: clinical testing. Allele origin: germline.
Comment: This sequence change replaces threonine, which is neutral and polar, with serine, which is neutral and polar, at codon 281 of the PDE6B protein (p.Thr281Ser). This variant is present in population databases (rs370941664, gnomAD 0.003%). This variant has not been reported in the literature in individuals affected with PDE6B-related conditions. ClinVar contains an entry for this variant (Variation ID: 2024270). Invitae Evidence Modeling of protein sequence and biophysical properties (such as structural, functional, and spatial information, amino acid conservation, physicochemical variation, residue mobility, and thermodynamic stability) has been performed for this missense variant. However, the output from this modeling did not meet the statistical confidence thresholds required to predict the impact of this variant on PDE6B protein function. In summary, the available evidence is currently insufficient to determine the role of this variant in disease. Therefore, it has been classified as a Variant of Uncertain Significance.

Blueprint Genetics
Classification: Uncertain significance. Last evaluated: 2023-08-09. Review status: criteria provided, single submitter. Criteria: ACMG Guidelines, 2015. Collection method: clinical testing. Allele origin: germline.